The following is an entry in ClinVar:

NM_001004334.4(GPR179):c.2242G>A (p.Gly748Ser)

Gene: GPR179 (G protein-coupled receptor 179; minus strand). Cytogenetic location: 17q12.
Variant type: single nucleotide variant.
Coding change: c.2242G>A on transcript NM_001004334.4 (MANE Select); coding-DNA position 2242, G replaced by A.
Protein change: p.Gly748Ser; replaces glycine 748 with serine.
Molecular consequence: missense variant.
Genome position (GRCh38, 1-based): chr17:38,331,327, C>T on the plus strand (G>A on the coding strand, the complement: GPR179 is on the minus strand). VCF-style: chr17-38331327-C-T. GRCh37 (hg19) VCF-style: chr17-36487210-C-T.
Other names: short protein forms G748S.
Identifiers: ClinVar variation 1909490 (VCV001909490.5), dbSNP rs533855717, ClinGen allele CA290106018.

ClinVar aggregate classification (germline): Uncertain significance (1 of 4 stars; one submission).

Allele frequency attached by ClinVar (database versions not stated): gnomAD 0.00001; gnomAD exomes 0.00002; TOPMed 0.00002; ExAC 0.00005; 1000 Genomes Project 30x 0.00016; 1000 Genomes Project 0.00020.

Submission:

Labcorp Genetics (formerly Invitae), Labcorp
Classification: Uncertain significance. Last evaluated: 2024-04-17. Review status: criteria provided, single submitter. Criteria: Invitae Variant Classification Sherloc (09022015). Collection method: clinical testing. Allele origin: germline.
Comment: This sequence change replaces glycine, which is neutral and non-polar, with serine, which is neutral and polar, at codon 748 of the GPR179 protein (p.Gly748Ser). This variant is present in population databases (rs533855717, gnomAD 0.007%). This variant has not been reported in the literature in individuals affected with GPR179-related conditions. ClinVar contains an entry for this variant (Variation ID: 1909490). Algorithms developed to predict the effect of missense changes on protein structure and function output the following: SIFT: "Not Available"; PolyPhen-2: "Benign"; Align-GVGD: "Not Available". The serine amino acid residue is found in multiple mammalian species, which suggests that this missense change does not adversely affect protein function. In summary, the available evidence is currently insufficient to determine the role of this variant in disease. Therefore, it has been classified as a Variant of Uncertain Significance.